The following is an entry in ClinVar:

NM_002439.5(MSH3):c.3296C>A (p.Thr1099Lys)

Gene: MSH3 (mutS homolog 3; plus strand). Cytogenetic location: 5q14.1.
Variant type: single nucleotide variant.
Coding change: c.3296C>A on transcript NM_002439.5 (MANE Select); coding-DNA position 3296, C replaced by A.
Protein change: p.Thr1099Lys; replaces threonine 1099 with lysine.
Molecular consequence: missense variant.
Genome position (GRCh38, 1-based): chr5:80,873,281, C>A. VCF-style: chr5-80873281-C-A. GRCh37 (hg19) VCF-style: chr5-80169100-C-A.
Other names: short protein forms T1099K.
Identifiers: ClinVar variation 1514495 (VCV001514495.11), dbSNP rs545543643, ClinGen allele CA360347186.

ClinVar aggregate classification (germline): Uncertain significance. Review status: criteria provided, multiple submitters, no conflicts (2 of 4 stars). 2 submissions from 2 submitters: Uncertain significance (2). Last evaluated 2025-10-21.

Conditions:
Hereditary cancer-predisposing syndrome. Also called: Tumor predisposition; Neoplastic Syndromes, Hereditary; Hereditary neoplastic syndrome; Hereditary Cancer Syndrome. Identifiers: Orphanet 140162, MedGen C0027672, MeSH D009386, MONDO:0015356.

gnomAD v4.1: 6 of 1,613,738 alleles (0.00037%); highest among the groups gnomAD compares: Non-Finnish European, 0.00051%; no homozygotes.

Submissions (2):

Ambry Genetics
Classification: Uncertain significance for Hereditary cancer-predisposing syndrome. Last evaluated: 2025-10-21. Review status: criteria provided, single submitter. Criteria: Ambry Variant Classification Scheme 2023. Collection method: clinical testing. Allele origin: germline.

Labcorp Genetics (formerly Invitae), Labcorp
Classification: Uncertain significance. Last evaluated: 2021-03-06. Review status: criteria provided, single submitter. Criteria: Invitae Variant Classification Sherloc (09022015). Collection method: clinical testing. Allele origin: germline.
Comment: This sequence change replaces threonine with lysine at codon 1099 of the MSH3 protein (p.Thr1099Lys). The threonine residue is weakly conserved and there is a moderate physicochemical difference between threonine and lysine. This variant is not present in population databases (ExAC no frequency). This variant has not been reported in the literature in individuals with MSH3-related conditions. Algorithms developed to predict the effect of missense changes on protein structure and function are either unavailable or do not agree on the potential impact of this missense change (SIFT: "Deleterious"; PolyPhen-2: "Benign"; Align-GVGD: "Class C0"). In summary, the available evidence is currently insufficient to determine the role of this variant in disease. Therefore, it has been classified as a Variant of Uncertain Significance.